The following is an entry in ClinVar:

NM_001267550.2(TTN):c.18312T>C (p.Pro6104=)

Genes: TTN (titin; minus strand), LOC126806430 (BRD4-independent group 4 enhancer GRCh37_chr2:179593794-179594993; plus strand). Cytogenetic location: 2q31.2.
Variant type: single nucleotide variant.
Coding change: c.18312T>C on transcript NM_001267550.2 (MANE Select); coding-DNA position 18312, T replaced by C.
Protein change: p.Pro6104=; no amino-acid change (proline 6104 retained).
Molecular consequence: synonymous variant. On other transcripts: intron variant (3).
Genome position (GRCh38, 1-based): chr2:178,729,941, A>G on the plus strand (T>C on the coding strand, the complement: TTN is on the minus strand). VCF-style: chr2-178729941-A-G. GRCh37 (hg19) VCF-style: chr2-179594668-A-G.
Other names: c.17361T>C, p.Pro5787= (NM_001256850.1); c.14580T>C, p.Pro4860= (NM_133378.4); c.13282+8141T>C (NM_003319.4); c.13858+8141T>C (NM_133437.4); c.13657+8141T>C (NM_133432.3).
Identifiers: ClinVar variation 3778630 (VCV003778630.9).

ClinVar aggregate classification (germline): Likely benign. Review status: criteria provided, multiple submitters, no conflicts (2 of 4 stars). 3 submissions from 3 submitters: Likely benign (3). Last evaluated 2025-04-11.

Conditions:
Autosomal recessive limb-girdle muscular dystrophy type 2J (LGMDR10). Also called: Limb-girdle muscular dystrophy, type 2J; MUSCULAR DYSTROPHY, LIMB-GIRDLE, AUTOSOMAL RECESSIVE 10. Identifiers: Orphanet 140922, MedGen C1837342, MONDO:0012127, OMIM 608807.
Dilated cardiomyopathy 1G (CMD1G). Identifiers: Orphanet 154, MedGen C1858763, MONDO:0011400, OMIM 604145.

gnomAD v4.1: 1 of 1,609,670 alleles (0.000062%); highest among the groups gnomAD compares: Middle Eastern, 0.017%; no homozygotes.

Submissions (3):

Labcorp Genetics (formerly Invitae), Labcorp
Classification: Likely benign for Dilated cardiomyopathy 1G; Autosomal recessive limb-girdle muscular dystrophy type 2J. Last evaluated: 2025-04-11. Review status: criteria provided, single submitter. Criteria: Invitae Variant Classification Sherloc (09022015). Collection method: clinical testing. Allele origin: germline.

Molecular Diagnostic Laboratory for Inherited Cardiovascular Disease, Montreal Heart Institute
Classification: Likely benign. Last evaluated: 2025-04-09. Review status: criteria provided, single submitter. Criteria: ACMG Guidelines, 2015. Collection method: clinical testing. Allele origin: germline. Affected: no.

CeGaT Center for Human Genetics Tuebingen
Classification: Likely benign. Last evaluated: 2025-03-01. Review status: criteria provided, single submitter. Criteria: CeGaT Center For Human Genetics Tuebingen Variant Classification Criteria Version 2. Collection method: clinical testing. Allele origin: germline. Affected: yes. Observed: 2 variant alleles.
Comment: TTN: BP4, BP7